The following is an entry in ClinVar:

ClinVar aggregate classification (germline): Uncertain significance. Review status: criteria provided, multiple submitters, no conflicts (2 of 4 stars). 4 submissions from 3 submitters: Uncertain significance (4). Last evaluated 2025-09-27.

Conditions:
Cardiovascular phenotype. Identifiers: MedGen CN230736.
Arrhythmogenic right ventricular dysplasia 2. Identifiers: MedGen C1832931.
Catecholaminergic polymorphic ventricular tachycardia 1. Also called: VENTRICULAR TACHYCARDIA, CATECHOLAMINERGIC POLYMORPHIC, 1, WITH OR WITHOUT ATRIAL DYSFUNCTION AND/OR DILATED CARDIOMYOPATHY; VENTRICULAR TACHYCARDIA, STRESS-INDUCED POLYMORPHIC 1; RYR2-Related Catecholaminergic Polymorphic Ventricular Tachycardia. Identifiers: Orphanet 3286, MedGen C1631597, MONDO:0011484, OMIM 604772.

Allele frequency attached by ClinVar (database versions not stated): gnomAD exomes below 0.00001; TOPMed below 0.00001; gnomAD 0.00001.
gnomAD v4.1: 3 of 1,613,796 alleles (0.00019%); highest among the groups gnomAD compares: African/African-American, 0.0013%; no homozygotes.

Submissions (4):

Labcorp Genetics (formerly Invitae), Labcorp
Classification: Uncertain significance for Catecholaminergic polymorphic ventricular tachycardia 1. Last evaluated: 2025-09-27. Review status: criteria provided, single submitter. Criteria: Invitae Variant Classification Sherloc (09022015). Collection method: clinical testing. Allele origin: germline.
Comment: This sequence change replaces glycine, which is neutral and non-polar, with serine, which is neutral and polar, at codon 199 of the RYR2 protein (p.Gly199Ser). This variant is not present in population databases (gnomAD no frequency). This variant has not been reported in the literature in individuals affected with RYR2-related conditions. ClinVar contains an entry for this variant (Variation ID: 296703). Invitae Evidence Modeling of protein sequence and biophysical properties (such as structural, functional, and spatial information, amino acid conservation, physicochemical variation, residue mobility, and thermodynamic stability) indicates that this missense variant is not expected to disrupt RYR2 protein function with a negative predictive value of 95%. In summary, the available evidence is currently insufficient to determine the role of this variant in disease. Therefore, it has been classified as a Variant of Uncertain Significance.

Ambry Genetics
Classification: Uncertain significance for Cardiovascular phenotype. Last evaluated: 2025-01-29. Review status: criteria provided, single submitter. Criteria: Ambry Variant Classification Scheme 2023. Collection method: clinical testing. Allele origin: germline.
Comment: The p.G199S variant (also known as c.595G>A), located in coding exon 9 of the RYR2 gene, results from a G to A substitution at nucleotide position 595. The glycine at codon 199 is replaced by serine, an amino acid with similar properties. This amino acid position is not well conserved in available vertebrate species. In addition, the in silico prediction for this alteration is inconclusive. Based on the available evidence, the clinical significance of this variant remains unclear.

Illumina Laboratory Services, Illumina
Classification: Uncertain significance for Catecholaminergic polymorphic ventricular tachycardia 1. Last evaluated: 2018-01-13. Review status: criteria provided, single submitter. Criteria: ICSL Variant Classification Criteria 13 December 2019. Collection method: clinical testing. Allele origin: germline.

Illumina Laboratory Services, Illumina
Classification: Uncertain significance for Catecholaminergic polymorphic ventricular tachycardia 1. Last evaluated: 2018-01-13. Review status: criteria provided, single submitter. Criteria: ICSL Variant Classification Criteria 13 December 2019. Collection method: clinical testing. Allele origin: germline.

NM_001035.3(RYR2):c.595G>A (p.Gly199Ser)

Gene: RYR2 (ryanodine receptor 2; plus strand). Cytogenetic location: 1q43.
Variant type: single nucleotide variant.
Coding change: c.595G>A on transcript NM_001035.3 (MANE Select); coding-DNA position 595, G replaced by A.
Protein change: p.Gly199Ser; replaces glycine 199 with serine.
Molecular consequence: missense variant.
Genome position (GRCh38, 1-based): chr1:237,387,299, G>A. VCF-style: chr1-237387299-G-A. GRCh37 (hg19) VCF-style: chr1-237550599-G-A.
Other names: c.595G>A, p.Gly199Ser (LRG_402t1); short protein forms G199S.
Identifiers: ClinVar variation 296703 (VCV000296703.14), dbSNP rs886046261, ClinGen allele CA10610702.